The following is an entry in ClinVar:

NM_002691.4(POLD1):c.1375A>T (p.Met459Leu)

Gene: POLD1 (DNA polymerase delta 1, catalytic subunit; plus strand). Cytogenetic location: 19q13.33.
Variant type: single nucleotide variant.
Coding change: c.1375A>T on transcript NM_002691.4 (MANE Select); coding-DNA position 1375, A replaced by T.
Protein change: p.Met459Leu; replaces methionine 459 with leucine.
Molecular consequence: missense variant. On other transcripts: non-coding transcript variant (1).
Genome position (GRCh38, 1-based): chr19:50,406,314, A>T. VCF-style: chr19-50406314-A-T. GRCh37 (hg19) VCF-style: chr19-50909571-A-T.
Other names: c.1375A>T, p.Met459Leu (NM_001256849.1, NM_001308632.1); short protein forms M459L.
Identifiers: ClinVar variation 1771132 (VCV001771132.2), dbSNP rs774331018, ClinGen allele CA406979979.

ClinVar aggregate classification (germline): Uncertain significance (1 of 4 stars; one submission).

Conditions:
Hereditary cancer-predisposing syndrome. Also called: Hereditary Cancer Syndrome; Hereditary neoplastic syndrome; Neoplastic Syndromes, Hereditary; Tumor predisposition. Identifiers: Orphanet 140162, MedGen C0027672, MeSH D009386, MONDO:0015356.

Submission:

Ambry Genetics
Classification: Uncertain significance for Hereditary cancer-predisposing syndrome. Last evaluated: 2021-12-11. Review status: criteria provided, single submitter. Criteria: Ambry Variant Classification Scheme 2023. Collection method: clinical testing. Allele origin: germline.
Comment: The p.M459L variant (also known as c.1375A>T), located in coding exon 10 of the POLD1 gene, results from an A to T substitution at nucleotide position 1375. The methionine at codon 459 is replaced by leucine, an amino acid with highly similar properties. This amino acid position is conserved. In addition, this alteration is predicted to be tolerated by in silico analysis. Since supporting evidence is limited at this time, the clinical significance of this alteration remains unclear.